The following is an entry in ClinVar:

ClinVar aggregate classification (germline): Uncertain significance. Review status: criteria provided, multiple submitters, no conflicts (2 of 4 stars). 2 submissions from 2 submitters: Uncertain significance (2). Last evaluated 2024-04-02.

Conditions:
Branchiootic syndrome 1 (BOS1). Also called: BO SYNDROME 1; BRANCHIOOTIC DYSPLASIA. Identifiers: MedGen C1865143, MONDO:0011258, OMIM 602588.
Branchiootorenal syndrome 1. Also called: Branchio-Oto-Renal Syndrome 1. Identifiers: Orphanet 107, MedGen C4551702, MONDO:0007236, OMIM 113650.
Otofaciocervical syndrome 1 (OTFCS). Identifiers: MedGen C3714941, MONDO:0024532, OMIM 166780.

gnomAD v4.1: 5 of 1,614,052 alleles (0.00031%); highest among the groups gnomAD compares: East Asian, 0.011%; no homozygotes.

Submissions (2):

Fulgent Genetics
Classification: Uncertain significance for Branchiootorenal syndrome 1; Otofaciocervical syndrome 1; Branchiootic syndrome 1. Last evaluated: 2024-04-02. Review status: criteria provided, single submitter. Criteria: ACMG Guidelines, 2015. Collection method: clinical testing. Allele origin: germline.

Juno Genomics, Hangzhou Juno Genomics, Inc
Classification: Uncertain significance for Otofaciocervical syndrome 1; Branchiootic syndrome 1; Branchiootorenal syndrome 1. Review status: criteria provided, single submitter. Criteria: ACMG Guidelines, 2015. Collection method: clinical testing. Allele origin: germline.
Comment: Absent from controls (or at extremely low frequency if recessive) in Genome Aggregation Database.

NM_000503.6(EYA1):c.679G>C (p.Ala227Pro)

Gene: EYA1 (EYA transcriptional coactivator and phosphatase 1; minus strand). Cytogenetic location: 8q13.3.
Variant type: single nucleotide variant.
Coding change: c.679G>C on transcript NM_000503.6 (MANE Select); coding-DNA position 679, G replaced by C.
Protein change: p.Ala227Pro; replaces alanine 227 with proline.
Molecular consequence: missense variant.
Genome position (GRCh38, 1-based): chr8:71,299,194, C>G on the plus strand (G>C on the coding strand, the complement: EYA1 is on the minus strand). VCF-style: chr8-71299194-C-G. GRCh37 (hg19) VCF-style: chr8-72211429-C-G.
Other names: c.661G>C, p.Ala221Pro (NM_001288574.2); c.313G>C, p.Ala105Pro (NM_001288575.2); c.766G>C, p.Ala256Pro (NM_001370333.1); c.679G>C, p.Ala227Pro (NM_001370334.1, NM_001370335.1, NM_172058.4); c.748G>C, p.Ala250Pro (NM_001370336.1); c.580G>C, p.Ala194Pro (NM_001411797.1, NM_172060.4); c.751G>C, p.Ala251Pro (NM_172059.5); short protein forms A221P, A256P, A105P, A227P, A250P, A194P, A251P.
Identifiers: ClinVar variation 3595849 (VCV003595849.3).